The following is an entry in ClinVar:

NM_003737.4(DCHS1):c.9679C>T (p.Arg3227Trp)

Gene: DCHS1 (dachsous cadherin-related 1; minus strand). Cytogenetic location: 11p15.4.
Variant type: single nucleotide variant.
Coding change: c.9679C>T on transcript NM_003737.4 (MANE Select); coding-DNA position 9679, C replaced by T.
Protein change: p.Arg3227Trp; replaces arginine 3227 with tryptophan.
Molecular consequence: missense variant.
Genome position (GRCh38, 1-based): chr11:6,621,997, G>A on the plus strand (C>T on the coding strand, the complement: DCHS1 is on the minus strand). VCF-style: chr11-6621997-G-A. GRCh37 (hg19) VCF-style: chr11-6643228-G-A.
Other names: short protein forms R3227W.
Identifiers: ClinVar variation 2873745 (VCV002873745.3), dbSNP rs547000377, ClinGen allele CA5859201.

ClinVar aggregate classification (germline): Uncertain significance (1 of 4 stars; one submission).

Allele frequency attached by ClinVar (database versions not stated): TOPMed 0.00003; gnomAD 0.00004; 1000 Genomes Project 0.00020; gnomAD exomes 0.00003; ExAC 0.00006; 1000 Genomes Project 30x 0.00016.
gnomAD v4.1: 52 of 1,613,526 alleles (0.0032%); highest among the groups gnomAD compares: Middle Eastern, 0.016%; no homozygotes.

Submission:

Labcorp Genetics (formerly Invitae), Labcorp
Classification: Uncertain significance. Last evaluated: 2026-01-19. Review status: criteria provided, single submitter. Criteria: Invitae Variant Classification Sherloc (09022015). Collection method: clinical testing. Allele origin: germline.
Comment: This sequence change replaces arginine, which is basic and polar, with tryptophan, which is neutral and slightly polar, at codon 3227 of the DCHS1 protein (p.Arg3227Trp). This variant is present in population databases (rs547000377, gnomAD 0.04%). This variant has not been reported in the literature in individuals affected with DCHS1-related conditions. ClinVar contains an entry for this variant (Variation ID: 2873745). Invitae Evidence Modeling of protein sequence and biophysical properties (such as structural, functional, and spatial information, amino acid conservation, physicochemical variation, residue mobility, and thermodynamic stability) indicates that this missense variant is not expected to disrupt DCHS1 protein function with a negative predictive value of 95%. In summary, the available evidence is currently insufficient to determine the role of this variant in disease. Therefore, it has been classified as a Variant of Uncertain Significance.